The following is an entry in ClinVar:

NM_002224.4(ITPR3):c.5121C>T (p.Pro1707=)

Gene: ITPR3 (inositol 1,4,5-trisphosphate receptor type 3; plus strand). Cytogenetic location: 6p21.31.
Variant type: single nucleotide variant.
Coding change: c.5121C>T on transcript NM_002224.4 (MANE Select); coding-DNA position 5121, C replaced by T.
Protein change: p.Pro1707=; no amino-acid change (proline 1707 retained).
Molecular consequence: synonymous variant.
Genome position (GRCh38, 1-based): chr6:33,684,672, C>T. VCF-style: chr6-33684672-C-T. GRCh37 (hg19) VCF-style: chr6-33652449-C-T.
Identifiers: ClinVar variation 745989 (VCV000745989.5), dbSNP rs530635891, ClinGen allele CA3761452.

ClinVar aggregate classification (germline): Likely benign. Review status: criteria provided, single submitter (1 of 4 stars). 2 submissions from 2 submitters: Likely benign (1). 1 of the submissions does not count toward it. Last evaluated 2018-05-15.

Conditions:
ITPR3-related disorder. Also called: ITPR3-related condition.

Allele frequency attached by ClinVar (database versions not stated): gnomAD 0.00005 and below 0.00001; 1000 Genomes Project 30x 0.00016; 1000 Genomes Project 0.00020; TOPMed 0.00002.
gnomAD v4.1: 169 of 1,614,052 alleles (0.01%); highest among the groups gnomAD compares: South Asian, 0.14%; 2 homozygotes.

Submissions (2):

Labcorp Genetics (formerly Invitae), Labcorp
Classification: Likely benign. Last evaluated: 2018-05-15. Review status: criteria provided, single submitter. Criteria: Invitae Variant Classification Sherloc (09022015). Collection method: clinical testing. Allele origin: germline.

PreventionGenetics, part of Exact Sciences
Classification: Likely benign for ITPR3-related condition. Last evaluated: 2019-07-12. Review status: no assertion criteria provided. Collection method: clinical testing. Allele origin: germline. Not counted in ClinVar's aggregate classification.
Comment: This variant is classified as likely benign based on ACMG/AMP sequence variant interpretation guidelines (Richards et al. 2015 PMID: 25741868, with internal and published modifications).